The following is an entry in ClinVar:

NM_006412.4(AGPAT2):c.317-7C>T

Gene: AGPAT2 (1-acylglycerol-3-phosphate O-acyltransferase 2; minus strand). Cytogenetic location: 9q34.3.
Variant type: single nucleotide variant.
Coding change: c.317-7C>T on transcript NM_006412.4 (MANE Select); 7 bases into the intron before coding-DNA position 317, C replaced by T.
Molecular consequence: intron variant.
Genome position (GRCh38, 1-based): chr9:136,677,143, G>A on the plus strand (C>T on the coding strand, the complement: AGPAT2 is on the minus strand). VCF-style: chr9-136677143-G-A. GRCh37 (hg19) VCF-style: chr9-139571595-G-A.
Other names: p.?; c.317-7C>T (NM_001012727.2).
Identifiers: ClinVar variation 128288 (VCV000128288.21), dbSNP rs74584184, ClinGen allele CA151607.
Genomic context (GRCh38, chr9:136,677,143, plus strand): 5'-GCAGCTCCCGCTTGGCGATCTGCACGCAGCGCTCCGGAAGGACCTCCATGAGGCCTGGGA[G>A]ACAGAGAGACAGAGACAGAGAGAGAGGGGGAGACAGCGTGCGCTGGAAGACAGCTGCTGA-3'

ClinVar aggregate classification (germline): Benign. Review status: criteria provided, multiple submitters, no conflicts (2 of 4 stars). 6 submissions from 6 submitters: Benign (5). 1 of the submissions does not count toward it. Last evaluated 2026-01-28.

Conditions:
Congenital generalized lipodystrophy type 1 (CGL1). Also called: BRUNZELL SYNDROME, AGPAT2-RELATED; Berardinelli-Seip Congenital Lipodystrophy Type 1. Identifiers: Orphanet 528, Orphanet 696189, MedGen C1720862, MONDO:0012071, OMIM 608594.

Allele frequency attached by ClinVar (database versions not stated): gnomAD exomes 0.00157 and 0.00411; ExAC 0.00520; gnomAD 0.01643 and 0.01776; 1000 Genomes Project 0.01657; 1000 Genomes Project 30x 0.01843; TOPMed 0.01907; ESP Exome Variant Server 0.01938.
gnomAD v4.1: 4,882 of 1,612,570 alleles (0.3%); highest among the groups gnomAD compares: African/African-American, 5.8%; 148 homozygotes.

Submissions (6):

Labcorp Genetics (formerly Invitae), Labcorp
Classification: Benign. Last evaluated: 2026-01-28. Review status: criteria provided, single submitter. Criteria: Invitae Variant Classification Sherloc (09022015). Collection method: clinical testing. Allele origin: germline.

Mayo Clinic Laboratories, Mayo Clinic
Classification: Benign. Last evaluated: 2021-10-14. Review status: criteria provided, single submitter. Criteria: ACMG Guidelines, 2015. Collection method: clinical testing. Allele origin: germline. Observed: 15 variant alleles.

GeneDx
Classification: Benign. Last evaluated: 2021-05-05. Review status: criteria provided, single submitter. Criteria: GeneDx Variant Classification Process June 2021. Collection method: clinical testing. Allele origin: germline. Affected: yes.

Illumina Laboratory Services, Illumina
Classification: Benign for Congenital generalized lipodystrophy type 1. Last evaluated: 2018-01-13. Review status: criteria provided, single submitter. Criteria: ICSL Variant Classification Criteria 13 December 2019. Collection method: clinical testing. Allele origin: germline.
Comment: This variant was observed in the ICSL laboratory as part of a predisposition screen in an ostensibly healthy population. It had not been previously curated by ICSL or reported in the Human Gene Mutation Database (HGMD: prior to June 1st, 2018), and was therefore a candidate for classification through an automated scoring system. Utilizing variant allele frequency, disease prevalence and penetrance estimates, and inheritance mode, an automated score was calculated to assess if this variant is too frequent to cause the disease. Based on the score and internal cut-off values, a variant classified as benign is not then subjected to further curation. The score for this variant resulted in a classification of benign for this disease.

PreventionGenetics, part of Exact Sciences
Classification: Benign. Review status: criteria provided, single submitter. Criteria: ACMG Guidelines, 2015. Collection method: clinical testing. Allele origin: germline.

Genetic Services Laboratory, University of Chicago
Classification: Likely benign for AllHighlyPenetrant. Review status: no assertion criteria provided. Collection method: clinical testing. Allele origin: germline. Inheritance: Autosomal recessive inheritance. Not counted in ClinVar's aggregate classification.
Comment: Likely benign based on allele frequency in 1000 Genomes Project or ESP global frequency and its presence in a patient with a rare or unrelated disease phenotype. NOT Sanger confirmed.